The following is an entry in ClinVar:

ClinVar aggregate classification (germline): Uncertain significance (1 of 4 stars; one submission).

Submission:

Labcorp Genetics (formerly Invitae), Labcorp
Classification: Uncertain significance. Last evaluated: 2026-01-04. Review status: criteria provided, single submitter. Criteria: Invitae Variant Classification Sherloc (09022015). Collection method: clinical testing. Allele origin: germline.
Comment: This sequence change replaces threonine, which is neutral and polar, with isoleucine, which is neutral and non-polar, at codon 466 of the ADGRE2 protein (p.Thr466Ile). This variant is not present in population databases (gnomAD no frequency). This variant has not been reported in the literature in individuals affected with ADGRE2-related conditions. An algorithm developed to predict the effect of missense changes on protein structure and function (PolyPhen-2) suggests that this variant is likely to be disruptive. In summary, the available evidence is currently insufficient to determine the role of this variant in disease. Therefore, it has been classified as a Variant of Uncertain Significance.

NM_013447.4(ADGRE2):c.1397C>T (p.Thr466Ile)

Gene: ADGRE2 (adhesion G protein-coupled receptor E2; minus strand). Cytogenetic location: 19p13.12.
Variant type: single nucleotide variant.
Coding change: c.1397C>T on transcript NM_013447.4 (MANE Select); coding-DNA position 1397, C replaced by T.
Protein change: p.Thr466Ile; replaces threonine 466 with isoleucine.
Molecular consequence: missense variant.
Genome position (GRCh38, 1-based): chr19:14,755,673, G>A on the plus strand (C>T on the coding strand, the complement: ADGRE2 is on the minus strand). VCF-style: chr19-14755673-G-A. GRCh37 (hg19) VCF-style: chr19-14866485-G-A.
Other names: c.1397C>T, p.Thr466Ile (NM_001271052.1); c.1250C>T, p.Thr417Ile (NM_152916.2); c.1118C>T, p.Thr373Ile (NM_152917.2); short protein forms T373I, T417I, T466I.
Identifiers: ClinVar variation 4700754 (VCV004700754.1).
Genomic context (GRCh38, chr19:14,755,673, plus strand): 5'-CTCAGACTATTCACCCACCAACCAACTCCACCAGCACTCACACGGTGGGAGAAGGTGAAG[G>A]TAACTGGGGAGCTGAGGTTTTGGGTGTCGTTGTTGCTCAGAAAGGCAGAGATCACATCTG-3'
Protein context (NP_038475.2, residues 456-476): NDTQNLSSPV[Thr466Ile]FTFSHRSVIP